The following is an entry in ClinVar:

NM_004171.4(SLC1A2):c.607G>A (p.Glu203Lys)

Gene: SLC1A2 (solute carrier family 1 member 2; minus strand). Cytogenetic location: 11p13.
Variant type: single nucleotide variant.
Coding change: c.607G>A on transcript NM_004171.4 (MANE Select); coding-DNA position 607, G replaced by A.
Protein change: p.Glu203Lys; replaces glutamic acid 203 with lysine.
Molecular consequence: missense variant.
Genome position (GRCh38, 1-based): chr11:35,306,197, C>T on the plus strand (G>A on the coding strand, the complement: SLC1A2 is on the minus strand). VCF-style: chr11-35306197-C-T. GRCh37 (hg19) VCF-style: chr11-35327744-C-T.
Other names: c.580G>A, p.Glu194Lys (NM_001195728.3, NM_001252652.2); short protein forms E194K, E203K.
Identifiers: ClinVar variation 1034057 (VCV001034057.5), dbSNP rs1400780690, ClinGen allele CA380127943.
Genomic context (GRCh38, chr11:35,306,197, plus strand): 5'-GCACCTCAGTCACAGTCTCGTTCAACAGAGAGACAACAGCGCTGGTTGCGTTGGCCTCCT[C>T]GTCCGGCGGTGGTGCAACCAGGACTTTCTTCGTCACTGTTTGAATCTAACAGAGTGAGGG-3'
Protein context (NP_004162.2, residues 193-213): KKVLVAPPPD[Glu203Lys]EANATSAVVS

ClinVar aggregate classification (germline): Uncertain significance. Review status: criteria provided, multiple submitters, no conflicts (2 of 4 stars). 3 submissions from 3 submitters: Uncertain significance (3). Last evaluated 2025-10-22.

Conditions:
Inborn genetic diseases. Identifiers: MedGen C0950123, MeSH D030342.
Developmental and epileptic encephalopathy, 41 (DEE41). Also called: Epileptic encephalopathy, early infantile, 41. Identifiers: MedGen C4310717, MONDO:0014916, OMIM 617105.

Allele frequency attached by ClinVar (database versions not stated): TOPMed 0.00001.
gnomAD v4.1: 5 of 1,613,900 alleles (0.00031%); highest among the groups gnomAD compares: Non-Finnish European, 0.00042%; no homozygotes.

Submissions (3):

Ambry Genetics
Classification: Uncertain significance for Inborn genetic diseases. Last evaluated: 2025-10-22. Review status: criteria provided, single submitter. Criteria: Ambry Variant Classification Scheme 2023. Collection method: clinical testing. Allele origin: germline.

Labcorp Genetics (formerly Invitae), Labcorp
Classification: Uncertain significance. Last evaluated: 2025-09-02. Review status: criteria provided, single submitter. Criteria: Invitae Variant Classification Sherloc (09022015). Collection method: clinical testing. Allele origin: germline.
Comment: This sequence change replaces glutamic acid, which is acidic and polar, with lysine, which is basic and polar, at codon 203 of the SLC1A2 protein (p.Glu203Lys). This variant is not present in population databases (gnomAD no frequency). This variant has not been reported in the literature in individuals affected with SLC1A2-related conditions. ClinVar contains an entry for this variant (Variation ID: 1034057). An algorithm developed to predict the effect of missense changes on protein structure and function outputs the following: PolyPhen-2: "Benign". The lysine amino acid residue is found in multiple mammalian species, which suggests that this missense change does not adversely affect protein function. In summary, the available evidence is currently insufficient to determine the role of this variant in disease. Therefore, it has been classified as a Variant of Uncertain Significance.

Baylor Genetics
Classification: Uncertain significance for Developmental and epileptic encephalopathy, 41. Last evaluated: 2018-01-18. Review status: criteria provided, single submitter. Criteria: ACMG Guidelines, 2015. Collection method: clinical testing. Allele origin: maternal. Affected: yes.
Comment: This variant was determined to be of uncertain significance according to ACMG Guidelines, 2015 [PMID:25741868].